The following is an entry in ClinVar:

ClinVar aggregate classification (germline): Pathogenic (1 of 4 stars; one submission).

Conditions:
Alstrom syndrome (ALMS). Identifiers: Orphanet 64, MedGen C0268425, MONDO:0008763, OMIM 203800.

Allele frequency attached by ClinVar (database versions not stated): gnomAD exomes below 0.00001; TOPMed below 0.00001; gnomAD 0.00001.

Submission:

Labcorp Genetics (formerly Invitae), Labcorp
Classification: Pathogenic for Alstrom syndrome. Last evaluated: 2022-12-21. Review status: criteria provided, single submitter. Criteria: Invitae Variant Classification Sherloc (09022015). Collection method: clinical testing. Allele origin: germline.
Comment: For these reasons, this variant has been classified as Pathogenic. This variant has not been reported in the literature in individuals affected with ALMS1-related conditions. This variant is not present in population databases (gnomAD no frequency). This sequence change creates a premature translational stop signal (p.Tyr2190*) in the ALMS1 gene. It is expected to result in an absent or disrupted protein product. Loss-of-function variants in ALMS1 are known to be pathogenic (PMID: 17594715).

Literature cited by the submitters: PubMed 17594715.

NM_001378454.1(ALMS1):c.6566dup (p.Tyr2189Ter)

Gene: ALMS1 (ALMS1 centrosome and basal body associated protein; plus strand). Cytogenetic location: 2p13.1.
Variant type: Duplication.
Coding change: c.6566dup on transcript NM_001378454.1 (MANE Select); coding-DNA position 6566, one base duplicated (A; older notation c.6566dupA).
Protein change: p.Tyr2189Ter; replaces tyrosine 2189 with a stop codon.
Molecular consequence: nonsense.
Genome position (GRCh38, 1-based): chr2:73,453,093, A duplicated. VCF-style (leftmost placement, unchanged base first): chr2-73453092-T-TA. GRCh37 (hg19) VCF-style: chr2-73680219-T-TA.
Other names: c.6569dup, p.Tyr2190Ter (NM_015120.4); short protein forms Y2190*, Y2189*.
Identifiers: ClinVar variation 2916562 (VCV002916562.3), dbSNP rs1671983691, ClinGen allele CA1032202239.
Genomic context (GRCh38, chr2:73,453,092, plus strand): 5'-TCAAGTGCTCTTGGGCAAGCTGATCAAATTACCGGATTACAAACAGTTCCCTCTGGTACT[T>TA]ACTCACATGGTGAGAATCACAAGCTTGTTTCAGAACATGTCCAAAGGCTAATAGATAATT-3'